The following is an entry in ClinVar:

ClinVar aggregate classification (germline): Uncertain significance (1 of 4 stars; one submission).

Conditions:
Primary ciliary dyskinesia. Also called: Ciliary dyskinesia. Identifiers: Orphanet 244, MedGen C0008780, MONDO:0016575, HP:0012265.

Allele frequency attached by ClinVar (database versions not stated): gnomAD exomes below 0.00001 and 0.00001; ExAC 0.00001; TOPMed 0.00001; gnomAD 0.00002.
gnomAD v4.1: 7 of 1,610,478 alleles (0.00043%); highest among the groups gnomAD compares: African/African-American, 0.008%; no homozygotes.

Submission:

Labcorp Genetics (formerly Invitae), Labcorp
Classification: Uncertain significance for Primary ciliary dyskinesia. Last evaluated: 2023-07-17. Review status: criteria provided, single submitter. Criteria: Invitae Variant Classification Sherloc (09022015). Collection method: clinical testing. Allele origin: germline.
Comment: In summary, the available evidence is currently insufficient to determine the role of this variant in disease. Therefore, it has been classified as a Variant of Uncertain Significance. This sequence change replaces arginine, which is basic and polar, with lysine, which is basic and polar, at codon 4476 of the DNAH8 protein (p.Arg4476Lys). Advanced modeling of protein sequence and biophysical properties (such as structural, functional, and spatial information, amino acid conservation, physicochemical variation, residue mobility, and thermodynamic stability) performed at Invitae indicates that this missense variant is not expected to disrupt DNAH8 protein function. ClinVar contains an entry for this variant (Variation ID: 834900). This variant has not been reported in the literature in individuals affected with DNAH8-related conditions. This variant is present in population databases (rs762630419, gnomAD 0.007%).

NM_001206927.2(DNAH8):c.13427G>A (p.Arg4476Lys)

Gene: DNAH8 (dynein axonemal heavy chain 8; plus strand). Cytogenetic location: 6p21.2.
Variant type: single nucleotide variant.
Coding change: c.13427G>A on transcript NM_001206927.2 (MANE Select); coding-DNA position 13427, G replaced by A.
Protein change: p.Arg4476Lys; replaces arginine 4476 with lysine.
Molecular consequence: missense variant.
Genome position (GRCh38, 1-based): chr6:39,012,270, G>A. VCF-style: chr6-39012270-G-A. GRCh37 (hg19) VCF-style: chr6-38980046-G-A.
Other names: c.12776G>A, p.Arg4259Lys (NM_001371.4); short protein forms R4476K, R4259K.
Identifiers: ClinVar variation 834900 (VCV000834900.19), dbSNP rs762630419, ClinGen allele CA3791671.